The following is an entry in ClinVar:

NM_000064.4(C3):c.3608A>G (p.Lys1203Arg)

Gene: C3 (complement C3; minus strand). Cytogenetic location: 19p13.3.
Variant type: single nucleotide variant.
Coding change: c.3608A>G on transcript NM_000064.4 (MANE Select); coding-DNA position 3608, A replaced by G.
Protein change: p.Lys1203Arg; replaces lysine 1203 with arginine.
Molecular consequence: missense variant.
Genome position (GRCh38, 1-based): chr19:6,686,784, T>C on the plus strand (A>G on the coding strand, the complement: C3 is on the minus strand). VCF-style: chr19-6686784-T-C. GRCh37 (hg19) VCF-style: chr19-6686795-T-C.
Other names: short protein forms K1203R.
Identifiers: ClinVar variation 4280218 (VCV004280218.1).

ClinVar aggregate classification (germline): Uncertain significance (1 of 4 stars; one submission).

Conditions:
C3 glomerulonephritis. Also called: C3 GLOMERULOPATHY 3; Nephropathy due to CFHR5 Deficiency. Identifiers: Orphanet 329931, MedGen C4055342, MONDO:0013892, OMIM 614809.

Submission:

Genomenon, Inc
Classification: Uncertain significance for C3 glomerulonephritis. Last evaluated: 2025-09-30. Review status: criteria provided, single submitter. Criteria: Genomenon Sequence Variant Interpretation Standards. Collection method: curation. Allele origin: germline. Affected: yes.
Comment: C3 p.Lys1203Arg (c.3608A>G) is a missense variant that changes the amino acid at residue 1203 from Lysine to Arginine. This variant has been observed in at least one proband affected with C3 glomerulonephritis (PMID:21784901). It is absent or not present at a significant frequency in gnomAD. In silico models agree that this variant is not damaging. In conclusion, we classify C3 p.Lys1203Arg (c.3608A>G) as a variant of unknown significance.

Literature cited by the submitters: PubMed 21784901.